The following is an entry in ClinVar:

NM_001371928.1(AHDC1):c.5G>A (p.Arg2His)

Gene: AHDC1 (AT-hook DNA binding motif containing 1; minus strand). Cytogenetic location: 1p36.11.
Variant type: single nucleotide variant.
Coding change: c.5G>A on transcript NM_001371928.1 (MANE Select); coding-DNA position 5, G replaced by A.
Protein change: p.Arg2His; replaces arginine 2 with histidine.
Molecular consequence: missense variant.
Genome position (GRCh38, 1-based): chr1:27,552,111, C>T on the plus strand (G>A on the coding strand, the complement: AHDC1 is on the minus strand). VCF-style: chr1-27552111-C-T. GRCh37 (hg19) VCF-style: chr1-27878622-C-T.
Other names: c.5G>A, p.Arg2His (NM_001029882.3); c.5G>A (NM_001029882.2); short protein forms R2H.
Identifiers: ClinVar variation 1363702 (VCV001363702.7), dbSNP rs1199454509, ClinGen allele CA339238785.

ClinVar aggregate classification (germline): Uncertain significance. Review status: criteria provided, multiple submitters, no conflicts (2 of 4 stars). 2 submissions from 2 submitters: Uncertain significance (2). Last evaluated 2025-02-24.

Conditions:
Inborn genetic diseases. Identifiers: MedGen C0950123, MeSH D030342.

Allele frequency attached by ClinVar (database versions not stated): TOPMed 0.00002; gnomAD 0.00001.
gnomAD v4.1: 42 of 1,455,748 alleles (0.0029%); highest among the groups gnomAD compares: Non-Finnish European, 0.0035%; no homozygotes.

Submissions (2):

Labcorp Genetics (formerly Invitae), Labcorp
Classification: Uncertain significance. Last evaluated: 2025-02-24. Review status: criteria provided, single submitter. Criteria: Invitae Variant Classification Sherloc (09022015). Collection method: clinical testing. Allele origin: germline.
Comment: This sequence change replaces arginine, which is basic and polar, with histidine, which is basic and polar, at codon 2 of the AHDC1 protein (p.Arg2His). This variant is not present in population databases (gnomAD no frequency). This variant has not been reported in the literature in individuals affected with AHDC1-related conditions. ClinVar contains an entry for this variant (Variation ID: 1363702). An algorithm developed to predict the effect of missense changes on protein structure and function (PolyPhen-2) suggests that this variant is likely to be disruptive. In summary, the available evidence is currently insufficient to determine the role of this variant in disease. Therefore, it has been classified as a Variant of Uncertain Significance.

Ambry Genetics
Classification: Uncertain significance for Inborn genetic diseases. Last evaluated: 2021-06-11. Review status: criteria provided, single submitter. Criteria: Ambry Variant Classification Scheme 2023. Collection method: clinical testing. Allele origin: germline.